The following is an entry in ClinVar:

NM_002907.4(RECQL):c.739A>G (p.Asn247Asp)

Gene: RECQL (RecQ like helicase; minus strand). Cytogenetic location: 12p12.1.
Variant type: single nucleotide variant.
Coding change: c.739A>G on transcript NM_002907.4 (MANE Select); coding-DNA position 739, A replaced by G.
Protein change: p.Asn247Asp; replaces asparagine 247 with aspartic acid.
Molecular consequence: missense variant.
Genome position (GRCh38, 1-based): chr12:21,477,931, T>C on the plus strand (A>G on the coding strand, the complement: RECQL is on the minus strand). VCF-style: chr12-21477931-T-C. GRCh37 (hg19) VCF-style: chr12-21630865-T-C.
Other names: c.739A>G, p.Asn247Asp (NM_032941.3); short protein forms N247D.
Identifiers: ClinVar variation 1758693 (VCV001758693.2), dbSNP rs2540356979, ClinGen allele CA384124927.

ClinVar aggregate classification (germline): Uncertain significance (1 of 4 stars; one submission).

Allele frequency attached by ClinVar (database versions not stated): gnomAD exomes below 0.00001.
gnomAD v4.1: 1 of 1,612,460 alleles (0.000062%); highest among the groups gnomAD compares: Non-Finnish European, 0.000085%; no homozygotes.

Submission:

Ambry Genetics
Classification: Uncertain significance. Last evaluated: 2022-02-05. Review status: criteria provided, single submitter. Criteria: Ambry Variant Classification Scheme 2023. Collection method: clinical testing. Allele origin: germline.
Comment: The p.N247D variant (also known as c.739A>G), located in coding exon 6 of the RECQL gene, results from an A to G substitution at nucleotide position 739. The asparagine at codon 247 is replaced by aspartic acid, an amino acid with highly similar properties. This amino acid position is conserved. In addition, this alteration is predicted to be tolerated by in silico analysis. Since supporting evidence is limited at this time, the clinical significance of this alteration remains unclear.